The following is an entry in ClinVar:

NM_006206.6(PDGFRA):c.382T>C (p.Phe128Leu)

Gene: PDGFRA (platelet derived growth factor receptor alpha; plus strand). Cytogenetic location: 4q12.
Variant type: single nucleotide variant.
Coding change: c.382T>C on transcript NM_006206.6 (MANE Select); coding-DNA position 382, T replaced by C.
Protein change: p.Phe128Leu; replaces phenylalanine 128 with leucine.
Molecular consequence: missense variant.
Genome position (GRCh38, 1-based): chr4:54,263,681, T>C. VCF-style: chr4-54263681-T-C. GRCh37 (hg19) VCF-style: chr4-55129848-T-C.
Other names: c.382T>C, p.Phe128Leu (NM_001347827.2, NM_001347829.2); c.457T>C, p.Phe153Leu (NM_001347828.2); c.421T>C, p.Phe141Leu (NM_001347830.2); short protein forms F141L, F153L, F128L.
Identifiers: ClinVar variation 4743325 (VCV004743325.1).

ClinVar aggregate classification (germline): Uncertain significance (1 of 4 stars; one submission).

Conditions:
Gastrointestinal stromal tumor. Also called: Gastrointestinal stromal tumor, somatic; Gastrointestinal stroma tumor. Identifiers: Orphanet 44890, MedGen C0238198, MeSH D046152, MONDO:0011719, OMIM 606764, HP:0100723.

Submission:

Labcorp Genetics (formerly Invitae), Labcorp
Classification: Uncertain significance for Gastrointestinal stromal tumor. Last evaluated: 2025-11-01. Review status: criteria provided, single submitter. Criteria: Invitae Variant Classification Sherloc (09022015). Collection method: clinical testing. Allele origin: germline.
Comment: This sequence change replaces phenylalanine, which is neutral and non-polar, with leucine, which is neutral and non-polar, at codon 128 of the PDGFRA protein (p.Phe128Leu). This variant is not present in population databases (gnomAD no frequency). This variant has not been reported in the literature in individuals affected with PDGFRA-related conditions. Invitae Evidence Modeling of protein sequence and biophysical properties (such as structural, functional, and spatial information, amino acid conservation, physicochemical variation, residue mobility, and thermodynamic stability) has been performed for this missense variant. However, the output from this modeling did not meet the statistical confidence thresholds required to predict the impact of this variant on PDGFRA protein function. In summary, the available evidence is currently insufficient to determine the role of this variant in disease. Therefore, it has been classified as a Variant of Uncertain Significance.